The following is an entry in ClinVar:

NM_007194.4(CHEK2):c.320-?_*(1_?)dup

Gene: CHEK2 (checkpoint kinase 2; minus strand). Cytogenetic location: 22q12.1.
Variant type: Duplication.
Coding change: c.320-?_*(1_?)dup on transcript NM_007194.4.
Identifiers: ClinVar variation 216644 (VCV000216644.2).

ClinVar aggregate classification (germline): Uncertain significance (1 of 4 stars; one submission).

Conditions:
Familial cancer of breast. Also called: Hereditary breast cancer; BREAST CANCER, FAMILIAL; hereditary breast carcinoma. Identifiers: Orphanet 227535, MedGen C0346153, MONDO:0016419, OMIM 114480. Disease mechanism: loss of function.

Submission:

Labcorp Genetics (formerly Invitae), Labcorp
Classification: Uncertain significance for Familial cancer of breast. Last evaluated: 2015-05-02. Review status: criteria provided, single submitter. Criteria: Invitae Variant Classification Sherloc (09022015). Collection method: clinical testing. Allele origin: germline.
Comment: This sequence change is consistent with a gross duplication of the genomic region encompassing exons 3-15 of the CHEK2 gene. This duplication extends to the edge of the assayed region, and the 3' boundary of this event is not known. This variant has not been published in the literature. The exact position of the duplicated exons cannot be determined from this data, and the effect of this sequence change is unknown. Therefore, it has been classified as a Variant of Uncertain Significance.